The following is an entry in ClinVar:

NM_000465.4(BARD1):c.1928A>G (p.Lys643Arg)

Gene: BARD1 (BRCA1 associated RING domain 1; minus strand). Cytogenetic location: 2q35.
Variant type: single nucleotide variant.
Coding change: c.1928A>G on transcript NM_000465.4 (MANE Select); coding-DNA position 1928, A replaced by G.
Protein change: p.Lys643Arg; replaces lysine 643 with arginine.
Molecular consequence: missense variant. On other transcripts: non-coding transcript variant (3).
Genome position (GRCh38, 1-based): chr2:214,730,484, T>C on the plus strand (A>G on the coding strand, the complement: BARD1 is on the minus strand). VCF-style: chr2-214730484-T-C. GRCh37 (hg19) VCF-style: chr2-215595208-T-C.
Other names: c.1871A>G, p.Lys624Arg (NM_001282543.2); c.575A>G, p.Lys192Arg (NM_001282545.2); c.518A>G, p.Lys173Arg (NM_001282548.2); c.389A>G, p.Lys130Arg (NM_001282549.2); short protein forms K130R, K173R, K192R, K643R, K624R.
Identifiers: ClinVar variation 2565208 (VCV002565208.4), dbSNP rs2469277596, ClinGen allele CA350451261.

ClinVar aggregate classification (germline): Conflicting classifications of pathogenicity. Review status: criteria provided, conflicting classifications (1 of 4 stars). 2 submissions from 2 submitters: Uncertain significance (1); Likely benign (1). Last evaluated 2024-05-02.

Conditions:
Hereditary cancer-predisposing syndrome. Also called: Neoplastic Syndromes, Hereditary; Hereditary Cancer Syndrome; Hereditary neoplastic syndrome; Tumor predisposition. Identifiers: Orphanet 140162, MedGen C0027672, MeSH D009386, MONDO:0015356.
Familial cancer of breast. Also called: Hereditary breast cancer; hereditary breast carcinoma; BREAST CANCER, FAMILIAL. Identifiers: Orphanet 227535, MedGen C0346153, MONDO:0016419, OMIM 114480. Disease mechanism: loss of function.

Submissions (2):

Labcorp Genetics (formerly Invitae), Labcorp
Classification: Uncertain significance for Familial cancer of breast. Last evaluated: 2024-05-02. Review status: criteria provided, single submitter. Criteria: Invitae Variant Classification Sherloc (09022015). Collection method: clinical testing. Allele origin: germline.
Comment: This sequence change replaces lysine, which is basic and polar, with arginine, which is basic and polar, at codon 643 of the BARD1 protein (p.Lys643Arg). This variant is not present in population databases (gnomAD no frequency). This variant has not been reported in the literature in individuals affected with BARD1-related conditions. ClinVar contains an entry for this variant (Variation ID: 2565208). Algorithms developed to predict the effect of missense changes on protein structure and function output the following: SIFT: "Not Available"; PolyPhen-2: "Benign"; Align-GVGD: "Not Available". The arginine amino acid residue is found in multiple mammalian species, which suggests that this missense change does not adversely affect protein function. In summary, the available evidence is currently insufficient to determine the role of this variant in disease. Therefore, it has been classified as a Variant of Uncertain Significance.

Ambry Genetics
Classification: Likely benign for Hereditary cancer-predisposing syndrome. Last evaluated: 2024-02-26. Review status: criteria provided, single submitter. Criteria: Ambry Variant Classification Scheme 2023. Collection method: clinical testing. Allele origin: germline.